The following is an entry in ClinVar:

NM_152866.3(MS4A1):c.728AAG[2] (p.Glu245del)

Gene: MS4A1 (membrane spanning 4-domains A1; plus strand). Cytogenetic location: 11q12.2.
Variant type: Microsatellite.
Coding change: c.728AAG[2] on transcript NM_152866.3 (MANE Select); two copies in a row of the 3-base unit AAG starting at c.728; the reference has three copies in a row; one copy, 3 bases deleted.
Protein change: p.Glu245del; deletes glutamic acid 245.
Molecular consequence: inframe deletion.
Genome position (GRCh38, 1-based): chr11:60,468,308-60,468,310, AAG deleted; deleting any 3 consecutive bases within chr11:60,468,302-60,468,310 gives the same sequence; the position shown is the placement nearest the transcript's 3' end. VCF-style (leftmost placement, unchanged base first): chr11-60468301-AAAG-A. GRCh37 (hg19) VCF-style: chr11-60235774-AAAG-A.
Other names: c.728AAG[2], p.Glu245del (NM_021950.4, NM_152867.2); short protein forms E245del.
Identifiers: ClinVar variation 1908057 (VCV001908057.5), dbSNP rs749237438, ClinGen allele CA6025081.

ClinVar aggregate classification (germline): Uncertain significance (1 of 4 stars; one submission).

Submission:

Labcorp Genetics (formerly Invitae), Labcorp
Classification: Uncertain significance. Last evaluated: 2022-03-27. Review status: criteria provided, single submitter. Criteria: Invitae Variant Classification Sherloc (09022015). Collection method: clinical testing. Allele origin: germline.
Comment: In summary, the available evidence is currently insufficient to determine the role of this variant in disease. Therefore, it has been classified as a Variant of Uncertain Significance. Experimental studies and prediction algorithms are not available or were not evaluated, and the functional significance of this variant is currently unknown. This variant has not been reported in the literature in individuals affected with MS4A1-related conditions. This variant is present in population databases (rs749237438, gnomAD 0.01%). This variant, c.734_736del, results in the deletion of 1 amino acid(s) of the MS4A1 protein (p.Glu245del), but otherwise preserves the integrity of the reading frame.